The following is an entry in ClinVar:

NM_000260.4(MYO7A):c.6560G>A (p.Gly2187Asp)

Gene: MYO7A (myosin VIIA; plus strand). Cytogenetic location: 11q13.5.
Variant type: single nucleotide variant.
Coding change: c.6560G>A on transcript NM_000260.4 (MANE Select); coding-DNA position 6560, G replaced by A.
Protein change: p.Gly2187Asp; replaces glycine 2187 with aspartic acid.
Molecular consequence: missense variant.
Genome position (GRCh38, 1-based): chr11:77,214,608, G>A. VCF-style: chr11-77214608-G-A. GRCh37 (hg19) VCF-style: chr11-76925653-G-A.
Other names: c.6440G>A, p.Gly2147Asp (NM_001127180.2); c.6413G>A, p.Gly2138Asp (NM_001369365.1); short protein forms G2187D, G2138D, G2147D.
Identifiers: ClinVar variation 43335 (VCV000043335.14), dbSNP rs397516332, ClinGen allele CA278713.

ClinVar aggregate classification (germline): Likely pathogenic. Review status: reviewed by expert panel (3 of 4 stars). 5 submissions from 5 submitters: Likely pathogenic (1). 4 of the submissions do not count toward it. Last evaluated 2022-08-03.

Conditions:
Usher syndrome. Also called: Usher's syndrome; Usher Syndromes. Identifiers: Orphanet 886, MedGen CN469326, MeSH D052245, MONDO:0019501. Disease mechanism: loss of function.
Autosomal recessive nonsyndromic hearing loss 2. Also called: NEUROSENSORY NONSYNDROMIC RECESSIVE DEAFNESS 2; DEAFNESS, AUTOSOMAL RECESSIVE 2. Identifiers: Orphanet 90636, MedGen C1838701, MONDO:0010807, OMIM 600060.
Usher syndrome type 1 (USH1). Also called: RETINITIS PIGMENTOSA AND CONGENITAL DEAFNESS. Identifiers: Orphanet 231169, Orphanet 886, MedGen C1568247, MONDO:0010168, OMIM 276900.
Usher syndrome type 1B (USH1B). Also called: Usher syndrome type IB. Identifiers: MedGen C1848638, MONDO:0700087.

gnomAD v4.1: 4 of 1,573,748 alleles (0.00025%); highest among the groups gnomAD compares: Non-Finnish European, 0.00035%; no homozygotes.

Submissions (5):

ClinGen Hearing Loss Variant Curation Expert Panel
Classification: Likely pathogenic for Usher syndrome. Last evaluated: 2022-08-03. Review status: reviewed by expert panel. Criteria: Clingen Hl Acmg Specifications Cdh23 Coch Gjb2 Kcnq4 Myo6 Myo7a Slc26a4 Tecta Ush2a V2. Collection method: curation. Allele origin: germline. Inheritance: Autosomal recessive inheritance.
Comment: The c.6560G>A variant in MYO7A is a missense variant predicted to cause substitution of glycine by aspartic acid at amino acid 2187. The highest population minor allele frequency in gnomAD v2.1.1 is 0.00001190 (1/84018 alleles) in the European (non-Finnish) population, which is lower than the ClinGen Hearing Loss VCEP threshold (<0.00007) for PM2_Supporting, meeting this criterion (PM2_Supporting). The computational predictor REVEL gives a score of 0.915, which is above the threshold of 0.7, evidence that correlates with impact to MYO7A (PP3). At least one patient with this variant displayed profound congenital deafness and retinitis pigmentosa, which is highly specific for Usher syndrome (PP4, PMID:10930322). This variant has been detected in at least two individuals with Usher syndrome. Of those individuals, both were compound heterozygous for the variant and a pathogenic or likely pathogenic variant published by multiple submitters in ClinVar (c.2904G>T (p.Glu968Asp) and c.3719G>A (p.R1240Q)) and both of those were presumed in trans (1 PM3 point, PMID:10930322, LMM) (PM3). In summary, this variant was reviewed by the ClinGen Hearing Loss VCEP and classified as likely pathogenic for autosomal recessive Usher syndrome based on the ACMG/AMP criteria applied, as specified by the ClinGen Hearing Loss VCEP: PM2_P, PP3, PP4, PM3 (ClinGen Hearing Loss VCEP specifications version 2; 7/20/2022).

GeneDx
Classification: Likely pathogenic. Last evaluated: 2026-04-08. Review status: criteria provided, single submitter. Criteria: GeneDx Variant Classification Process June 2021. Collection method: clinical testing. Allele origin: germline. Not counted in ClinVar's aggregate classification.
Comment: Not observed at significant frequency in large population cohorts (gnomAD); In silico analysis supports that this missense variant has a deleterious effect on protein structure/function; This variant is associated with the following publications: (PMID: 25468891, 28439001, 33671976, 10930322)

Laboratory for Molecular Medicine, Mass General Brigham Personalized Medicine
Classification: Likely pathogenic for Usher syndrome. Last evaluated: 2019-03-13. Review status: criteria provided, single submitter. Criteria: LMM Criteria. Collection method: clinical testing. Allele origin: germline. Inheritance: Autosomal recessive inheritance. Observed: 1 variant allele. Not counted in ClinVar's aggregate classification.
Comment: Both individuals were compound heterozygous for a second pathogenic or likely pathogenic MYO7A variant. This variant has been identified in 0.001% (1/84018) of European chromosomes by the Genome Aggregation Database (gnomAD; dbSNP rs397516332). Although this variant has been seen in the general population, its frequency is low enough to be consistent with a recessive carrier frequency. Computational prediction tools and conservation analysis suggest that the p.Gly2187Asp variant may impact the protein. In summary, although additional studies are required to fully establish its clinical significance, the p.Gly2187Asp variant is likely pathogenic. ACMG/AMP Criteria applied: PM3_Strong, PM2, PP3

Natera, Inc.
Classification: Likely pathogenic for Usher syndrome type 1B. Last evaluated: 2020-09-16. Review status: no assertion criteria provided. Collection method: clinical testing. Allele origin: germline. Not counted in ClinVar's aggregate classification.

Counsyl
Classification: Uncertain significance for Usher syndrome type 1; Autosomal recessive nonsyndromic hearing loss 2. Last evaluated: 2018-04-13. Review status: no assertion criteria provided. Collection method: clinical testing. Allele origin: unknown. Not counted in ClinVar's aggregate classification.

Literature cited by the submitters: PubMed 10930322 (cited by 3 submitters); PubMed 28439001 (cited by Laboratory for Molecular Medicine, Mass General Brigham Personalized Medicine and Counsyl).